The following is an entry in ClinVar:

ClinVar aggregate classification (germline): Pathogenic (1 of 4 stars; one submission).

Conditions:
Xeroderma pigmentosum, group F (XPF). Also called: XERODERMA PIGMENTOSUM, COMPLEMENTATION GROUP F; XERODERMA PIGMENTOSUM VI; XP, GROUP F; ERCC4-Related Xeroderma Pigmentosum; XERODERMA PIGMENTOSUM, TYPE F; Xeroderma pigmentosum, type 6. Identifiers: MedGen C0268140, MONDO:0010215, OMIM 278760.
Fanconi anemia complementation group Q. Identifiers: Orphanet 84, MedGen C3808988, MONDO:0014108, OMIM 615272.
Cockayne syndrome. Identifiers: Orphanet 191, MedGen C0009207, MONDO:0016006.

Submission:

Labcorp Genetics (formerly Invitae), Labcorp
Classification: Pathogenic for Fanconi anemia complementation group Q; Xeroderma pigmentosum, group F; Cockayne syndrome. Last evaluated: 2025-07-23. Review status: criteria provided, single submitter. Criteria: Invitae Variant Classification Sherloc (09022015). Collection method: clinical testing. Allele origin: germline.
Comment: This sequence change creates a premature translational stop signal (p.Met748Hisfs*13) in the ERCC4 gene. While this is not anticipated to result in nonsense mediated decay, it is expected to disrupt the last 169 amino acid(s) of the ERCC4 protein. This variant is not present in population databases (gnomAD no frequency). This variant has not been reported in the literature in individuals affected with ERCC4-related conditions. This variant disrupts a region of the ERCC4 protein in which other variant(s) (p.Arg799Trp) have been determined to be pathogenic (PMID: 9579555, 20221251, 21612988, 29403087, 29892709). This suggests that this is a clinically significant region of the protein, and that variants that disrupt it are likely to be disease-causing. For these reasons, this variant has been classified as Pathogenic.

Literature cited by the submitters: PubMed 9579555; PubMed 20221251; PubMed 21612988; PubMed 29403087; PubMed 29892709.

NM_005236.3(ERCC4):c.2241dup (p.Met748fs)

Gene: ERCC4 (ERCC excision repair 4, endonuclease catalytic subunit; plus strand). Cytogenetic location: 16p13.12.
Variant type: Duplication.
Coding change: c.2241dup on transcript NM_005236.3 (MANE Select); coding-DNA position 2241, one base duplicated (C; older notation c.2241dupC).
Protein change: p.Met748fs; shifts the reading frame from methionine 748.
Molecular consequence: frameshift variant.
Genome position (GRCh38, 1-based): chr16:13,947,837, C duplicated; the last of 2 consecutive C bases (chr16:13,947,836-13,947,837); duplicating either gives the same sequence. VCF-style (leftmost placement, unchanged base first): chr16-13947835-T-TC. GRCh37 (hg19) VCF-style: chr16-14041692-T-TC.
Other names: short protein forms M748fs.
Identifiers: ClinVar variation 4788501 (VCV004788501.1).